The following is an entry in ClinVar:

ClinVar aggregate classification (germline): Conflicting classifications of pathogenicity. Review status: criteria provided, conflicting classifications (1 of 4 stars). 5 submissions from 5 submitters: Likely pathogenic (2); Uncertain significance (2). 1 of the submissions does not count toward it. Last evaluated 2024-02-23.

Conditions:
UMOD-related disorder. Also called: UMOD-related condition.
Kidney disorder. Also called: Kidney disease; Kidney Diseases; renal disorder; Nephropathy; renal disease. Identifiers: MedGen C0022658, MONDO:0005240, HP:0000112.

Allele frequency attached by ClinVar (database versions not stated): gnomAD 0.00002 and 0.00001; gnomAD exomes 0.00001; TOPMed 0.00003; ExAC 0.00004.
gnomAD v4.1: 17 of 1,573,698 alleles (0.0011%); highest among the groups gnomAD compares: East Asian, 0.0047%; no homozygotes.

Submissions (5):

Labcorp Genetics (formerly Invitae), Labcorp
Classification: Uncertain significance. Last evaluated: 2024-02-23. Review status: criteria provided, single submitter. Criteria: Invitae Variant Classification Sherloc (09022015). Collection method: clinical testing. Allele origin: germline.
Comment: This sequence change replaces valine, which is neutral and non-polar, with glutamic acid, which is acidic and polar, at codon 109 of the UMOD protein (p.Val109Glu). This variant is present in population databases (rs780462125, gnomAD 0.004%). This missense change has been observed in individual(s) with autosomal dominant medullary cystic kidney disease and/or UMOD-related conditions (PMID: 23988501, 30586318). ClinVar contains an entry for this variant (Variation ID: 562322). Advanced modeling of protein sequence and biophysical properties (such as structural, functional, and spatial information, amino acid conservation, physicochemical variation, residue mobility, and thermodynamic stability) has been performed at Invitae for this missense variant, however the output from this modeling did not meet the statistical confidence thresholds required to predict the impact of this variant on UMOD protein function. Experimental studies have shown that this missense change affects UMOD function (PMID: 23988501). In summary, the available evidence is currently insufficient to determine the role of this variant in disease. Therefore, it has been classified as a Variant of Uncertain Significance.

Institute of Medical Genetics and Applied Genomics, University Hospital Tübingen
Classification: Likely pathogenic. Last evaluated: 2020-10-23. Review status: criteria provided, single submitter. Criteria: ACMG Guidelines, 2015. Collection method: clinical testing. Allele origin: germline. Inheritance: Unknown mechanism. Affected: yes.

Genome Diagnostics Laboratory, The Hospital for Sick Children
Classification: Uncertain significance for Kidney disorder. Last evaluated: 2016-12-12. Review status: criteria provided, single submitter. Criteria: ACMG Guidelines, 2015. Collection method: clinical testing. Allele origin: germline.

Rady Children's Institute for Genomic Medicine, Rady Children's Hospital San Diego
Classification: Likely pathogenic for UMOD-related disorder. Review status: criteria provided, single submitter. Criteria: ACMG Guidelines, 2015. Collection method: clinical testing. Allele origin: germline. Affected: yes.
Comment: This variant has been previously reported as a heterozygous change in patients with kidney disease (PMID: 23988501, 30586318, 33574344). Functional analysis showed that the c.326T>A (p.Val109Glu) variant alters the function of the UMOD protein (PMID: 23988501). The c.326T>A (p.Val109Glu) variant is present in the heterozygous state in the gnomAD population database at a frequency of 0.001% (3/215296) and thus is presumed to be rare. The c.326T>A (p.Val109Glu) variant affects a highly conserved amino acid and is predicted by multiple in silico tools to have a deleterious effect on protein function. Based on the available evidence, the c.326T>A (p.Val109Glu) variant is classified as Likely Pathogenic.

Gharavi Laboratory, Columbia University
Classification: Likely pathogenic. Last evaluated: 2018-09-16. Review status: no assertion criteria provided. Criteria: ACMG Guidelines, 2015. Collection method: research. Allele origin: germline. Affected: yes. Not counted in ClinVar's aggregate classification.

Literature cited by the submitters: PubMed 23988501 (cited by Labcorp Genetics (formerly Invitae), Labcorp); PubMed 30586318 (cited by Labcorp Genetics (formerly Invitae), Labcorp).

NM_003361.4(UMOD):c.326T>A (p.Val109Glu)

Gene: UMOD (uromodulin; minus strand). Cytogenetic location: 16p12.3.
Variant type: single nucleotide variant.
Coding change: c.326T>A on transcript NM_003361.4 (MANE Select); coding-DNA position 326, T replaced by A.
Protein change: p.Val109Glu; replaces valine 109 with glutamic acid.
Molecular consequence: missense variant. On other transcripts: non-coding transcript variant (1).
Genome position (GRCh38, 1-based): chr16:20,348,975, A>T on the plus strand (T>A on the coding strand, the complement: UMOD is on the minus strand). VCF-style: chr16-20348975-A-T. GRCh37 (hg19) VCF-style: chr16-20360297-A-T.
Other names: c.326T>A, p.Val109Glu (NM_001008389.3, NM_001378232.1, NM_001378233.1 and 3 more transcripts); c.425T>A, p.Val142Glu (NM_001278614.2); c.326T>A (NM_001008389.2); short protein forms V109E, V142E.
Identifiers: ClinVar variation 562322 (VCV000562322.12), dbSNP rs780462125, ClinGen allele CA7939460.
Genomic context (GRCh38, chr16:20,348,975, plus strand): 5'-ACATTGACACATGTGGCCAGGGCGTGGCAGTGGCTAAGCCCAGGCTCAGCGCACTCATCC[A>T]CGTCTGTGCAGCCGAGACCGGGCGACAGGCGGAAGCCTTCGGGGCAGACGCAGGAGAAGG-3'
Protein context (NP_003352.2, residues 99-119): RLSPGLGCTD[Val109Glu]DECAEPGLSH